The following is an entry in ClinVar:

ClinVar aggregate classification (germline): Likely benign (1 of 4 stars; one submission).

Conditions:
SLC10A1-related disorder. Also called: SLC10A1-related condition.

Submission:

PreventionGenetics, part of Exact Sciences
Classification: Likely benign for SLC10A1-related condition. Last evaluated: 2024-10-23. Review status: criteria provided, single submitter. Criteria: ACMG Guidelines, 2015. Collection method: clinical testing. Allele origin: germline.
Comment: This variant is classified as likely benign based on ACMG/AMP sequence variant interpretation guidelines (Richards et al. 2015 PMID: 25741868, with internal and published modifications).

NM_003049.4(SLC10A1):c.132C>T (p.Cys44=)

Gene: SLC10A1 (solute carrier family 10 member 1; minus strand). Cytogenetic location: 14q24.1.
Variant type: single nucleotide variant.
Coding change: c.132C>T on transcript NM_003049.4 (MANE Select); coding-DNA position 132, C replaced by T.
Protein change: p.Cys44=; no amino-acid change (cysteine 44 retained).
Molecular consequence: synonymous variant.
Genome position (GRCh38, 1-based): chr14:69,797,024, G>A on the plus strand (C>T on the coding strand, the complement: SLC10A1 is on the minus strand). VCF-style: chr14-69797024-G-A. GRCh37 (hg19) VCF-style: chr14-70263741-G-A.
Identifiers: ClinVar variation 4987148 (VCV004987148.1).